The following is an entry in ClinVar:

ClinVar aggregate classification (germline): Uncertain significance. Review status: criteria provided, multiple submitters, no conflicts (2 of 4 stars). 2 submissions from 2 submitters: Uncertain significance (2). Last evaluated 2024-03-24.

Conditions:
Ehlers-Danlos syndrome, type 4 (EDSVASC). Also called: Ehlers-Danlos syndrome vascular type; Ehlers Danlos syndrome, ecchymotic type; Ehlers Danlos syndrome, arterial type; Ehlers Danlos syndrome, Sack-Barabas type; Ehlers-Danlos Syndrome Type IV. Identifiers: Orphanet 286, MedGen C0268338, MONDO:0017314, OMIM 130050.

gnomAD v4.1: 5 of 1,614,224 alleles (0.00031%); highest among the groups gnomAD compares: Non-Finnish European, 0.00042%; no homozygotes.

Submissions (2):

All of Us Research Program, National Institutes of Health
Classification: Uncertain significance for Ehlers-Danlos syndrome, type 4. Last evaluated: 2024-03-24. Review status: criteria provided, single submitter. Criteria: ACMG Guidelines, 2015. Collection method: clinical testing. Allele origin: germline. Inheritance: Autosomal dominant inheritance. Observed: 1 variant allele, 1 heterozygote.
Comment: This missense variant replaces isoleucine with leucine at codon 1303 of the COL3A1 protein. Computational prediction suggests that this variant may not impact protein structure and function (internally defined REVEL score threshold <= 0.5, PMID: 27666373). To our knowledge, functional studies have not been reported for this variant. This variant has not been reported in individuals affected with cardiovascular disorders in the literature. This variant has not been identified in the general population by the Genome Aggregation Database (gnomAD). The available evidence is insufficient to determine the role of this variant in disease conclusively. Therefore, this variant is classified as a Variant of Uncertain Significance.

This study involves interpretation of variants in research participants for the purpose of population health screening. Participant phenotype was not available at the time of variant classification. Additional details can be found in publication PMID: 35346344, PMCID: PMC8962531

Labcorp Genetics (formerly Invitae), Labcorp
Classification: Uncertain significance for Ehlers-Danlos syndrome, type 4. Last evaluated: 2022-07-25. Review status: criteria provided, single submitter. Criteria: Invitae Variant Classification Sherloc (09022015). Collection method: clinical testing. Allele origin: germline.
Comment: This variant is not present in population databases (gnomAD no frequency). In summary, the available evidence is currently insufficient to determine the role of this variant in disease. Therefore, it has been classified as a Variant of Uncertain Significance. Advanced modeling of protein sequence and biophysical properties (such as structural, functional, and spatial information, amino acid conservation, physicochemical variation, residue mobility, and thermodynamic stability) performed at Invitae indicates that this missense variant is not expected to disrupt COL3A1 protein function. This variant has not been reported in the literature in individuals affected with COL3A1-related conditions. This sequence change replaces isoleucine, which is neutral and non-polar, with leucine, which is neutral and non-polar, at codon 1303 of the COL3A1 protein (p.Ile1303Leu).

NM_000090.4(COL3A1):c.3907A>T (p.Ile1303Leu)

Gene: COL3A1 (collagen type III alpha 1 chain; plus strand). Cytogenetic location: 2q32.2.
Variant type: single nucleotide variant.
Coding change: c.3907A>T on transcript NM_000090.4 (MANE Select); coding-DNA position 3907, A replaced by T.
Protein change: p.Ile1303Leu; replaces isoleucine 1303 with leucine.
Molecular consequence: missense variant.
Genome position (GRCh38, 1-based): chr2:189,010,261, A>T. VCF-style: chr2-189010261-A-T. GRCh37 (hg19) VCF-style: chr2-189874987-A-T.
Other names: short protein forms I1303L.
Identifiers: ClinVar variation 1981455 (VCV001981455.5), dbSNP rs769747471, ClinGen allele CA349848615.